The following is an entry in ClinVar:

NM_058216.3(RAD51C):c.427C>G (p.Gln143Glu)

Gene: RAD51C (RAD51 paralog C; plus strand). Cytogenetic location: 17q22.
Variant type: single nucleotide variant.
Coding change: c.427C>G on transcript NM_058216.3 (MANE Select); coding-DNA position 427, C replaced by G.
Protein change: p.Gln143Glu; replaces glutamine 143 with glutamic acid.
Molecular consequence: missense variant.
Genome position (GRCh38, 1-based): chr17:58,696,715, C>G. VCF-style: chr17-58696715-C-G. GRCh37 (hg19) VCF-style: chr17-56774076-C-G.
Other names: short protein forms Q143E.
Identifiers: ClinVar variation 1692062 (VCV001692062.3), dbSNP rs2143744121, ClinGen allele CA400343960.

ClinVar aggregate classification (germline): Uncertain significance. Review status: criteria provided, multiple submitters, no conflicts (2 of 4 stars). 2 submissions from 2 submitters: Uncertain significance (2). Last evaluated 2024-10-28.

Conditions:
Hereditary cancer-predisposing syndrome. Also called: Neoplastic Syndromes, Hereditary; Hereditary Cancer Syndrome; Tumor predisposition; Hereditary neoplastic syndrome. Identifiers: Orphanet 140162, MedGen C0027672, MeSH D009386, MONDO:0015356.
Fanconi anemia complementation group O. Also called: RAD51C-Related Fanconi Anemia. Identifiers: Orphanet 84, MedGen C3150653, MONDO:0013248, OMIM 613390.

Submissions (2):

Labcorp Genetics (formerly Invitae), Labcorp
Classification: Uncertain significance for Fanconi anemia complementation group O. Last evaluated: 2024-10-28. Review status: criteria provided, single submitter. Criteria: Invitae Variant Classification Sherloc (09022015). Collection method: clinical testing. Allele origin: germline.
Comment: This sequence change replaces glutamine, which is neutral and polar, with glutamic acid, which is acidic and polar, at codon 143 of the RAD51C protein (p.Gln143Glu). This variant is not present in population databases (gnomAD no frequency). This variant has not been reported in the literature in individuals affected with RAD51C-related conditions. ClinVar contains an entry for this variant (Variation ID: 1692062). Invitae Evidence Modeling of protein sequence and biophysical properties (such as structural, functional, and spatial information, amino acid conservation, physicochemical variation, residue mobility, and thermodynamic stability) indicates that this missense variant is expected to disrupt RAD51C protein function with a positive predictive value of 80%. In summary, the available evidence is currently insufficient to determine the role of this variant in disease. Therefore, it has been classified as a Variant of Uncertain Significance.

Sema4
Classification: Uncertain significance for Hereditary cancer-predisposing syndrome. Last evaluated: 2021-11-16. Review status: criteria provided, single submitter. Criteria: Sema4 Curation Guidelines. Collection method: curation. Allele origin: germline.
Comment: The RAD51C c.427C>G (p.Q143E) variant has not been reported in literature to our knowledge. It was not observed in the large and broad cohorts of the Genome Aggregation Database (PMID: 32461654), nor in ClinVar. Functional studies have not been performed, and in silico predictions of the variant's effect on protein function are inconclusive. The evidence is insufficient to meet ACMG/AMP criteria for classifying the variant as benign or pathogenic. Thus, the clinical significance of this variant is currently uncertain.